The following is an entry in ClinVar:

ClinVar aggregate classification (germline): Pathogenic (1 of 4 stars; one submission).

Submission:

Labcorp Genetics (formerly Invitae), Labcorp
Classification: Pathogenic. Last evaluated: 2024-07-05. Review status: criteria provided, single submitter. Criteria: Invitae Variant Classification Sherloc (09022015). Collection method: clinical testing. Allele origin: germline.
Comment: This sequence change creates a premature translational stop signal (p.Ser491Lysfs*3) in the MSN gene. It is expected to result in an absent or disrupted protein product. Loss-of-function variants in MSN are known to be pathogenic (PMID: 27405666). This variant is not present in population databases (gnomAD no frequency). This variant has not been reported in the literature in individuals affected with MSN-related conditions. For these reasons, this variant has been classified as Pathogenic.

Literature cited by the submitters: PubMed 27405666.

NM_002444.3(MSN):c.1471dup (p.Ser491fs)

Gene: MSN (moesin; plus strand). Cytogenetic location: Xq12.
Variant type: Duplication.
Coding change: c.1471dup on transcript NM_002444.3 (MANE Select); coding-DNA position 1471, one base duplicated (A; older notation c.1471dupA).
Protein change: p.Ser491fs; shifts the reading frame from serine 491.
Molecular consequence: frameshift variant.
Genome position (GRCh38, 1-based): chrX:65,739,096, A duplicated. VCF-style (leftmost placement, unchanged base first): chrX-65739095-T-TA. GRCh37 (hg19) VCF-style: chrX-64958957-T-TA.
Other names: short protein forms S491fs.
Identifiers: ClinVar variation 3639773 (VCV003639773.2).